The following is an entry in ClinVar:

NM_000143.4(FH):c.1287del (p.Phe430fs)

Gene: FH (fumarate hydratase; minus strand). Cytogenetic location: 1q43.
Variant type: Deletion.
Coding change: c.1287del on transcript NM_000143.4 (MANE Select); coding-DNA position 1287, one base deleted (C; older notation c.1287delC).
Protein change: p.Phe430fs; shifts the reading frame from phenylalanine 430.
Molecular consequence: frameshift variant.
Genome position (GRCh38, 1-based): chr1:241,500,540, G deleted on the plus strand (C on the coding strand, the reverse complement: FH is on the minus strand); the first of 2 consecutive G bases (chr1:241,500,540-241,500,541); deleting either gives the same sequence. VCF-style (leftmost placement, unchanged base first): chr1-241500539-AG-A. GRCh37 (hg19) VCF-style: chr1-241663839-AG-A.
Other names: c.1287delC (NM_000143.3); short protein forms F430fs.
Identifiers: ClinVar variation 952001 (VCV000952001.12), dbSNP rs1659746788, ClinGen allele CA1139656719.

ClinVar aggregate classification (germline): Pathogenic. Review status: criteria provided, multiple submitters, no conflicts (2 of 4 stars). 2 submissions from 2 submitters: Pathogenic (2). Last evaluated 2024-11-18.

Conditions:
Hereditary cancer-predisposing syndrome. Also called: Tumor predisposition; Hereditary neoplastic syndrome; Neoplastic Syndromes, Hereditary; Hereditary Cancer Syndrome. Identifiers: Orphanet 140162, MedGen C0027672, MeSH D009386, MONDO:0015356.

Submissions (2):

Labcorp Genetics (formerly Invitae), Labcorp
Classification: Pathogenic. Last evaluated: 2024-11-18. Review status: criteria provided, single submitter. Criteria: Invitae Variant Classification Sherloc (09022015). Collection method: clinical testing. Allele origin: germline.
Comment: This sequence change creates a premature translational stop signal (p.Phe430Leufs*19) in the FH gene. It is expected to result in an absent or disrupted protein product. Loss-of-function variants in FH are known to be pathogenic (PMID: 11865300, 21398687). This variant is not present in population databases (gnomAD no frequency). This variant has not been reported in the literature in individuals affected with FH-related conditions. ClinVar contains an entry for this variant (Variation ID: 952001). For these reasons, this variant has been classified as Pathogenic.

Ambry Genetics
Classification: Pathogenic for Hereditary cancer-predisposing syndrome. Last evaluated: 2022-07-27. Review status: criteria provided, single submitter. Criteria: Ambry Variant Classification Scheme 2023. Collection method: clinical testing. Allele origin: germline.
Comment: The c.1287delC pathogenic mutation, located in coding exon 9 of the FH gene, results from a deletion of one nucleotide at nucleotide position 1287, causing a translational frameshift with a predicted alternate stop codon (p.F430Lfs*19). This alteration occurs at the 3' terminus of theFH gene, is not expected to trigger nonsense-mediated mRNA decay, and only impacts the last 81 amino acids of the protein. However, premature stop codons are typically deleterious in nature and the impacted region is critical for protein function (Ambry internal data). This alteration has been observed in at least one individual with a personal and/or family history that is consistent with FH-related disease (Ambry internal data). This variant is also considered to be rare based on population cohorts in the Genome Aggregation Database (gnomAD). Based on the supporting evidence, this alteration is interpreted as a disease-causing mutation.

Literature cited by the submitters: PubMed 11865300 (cited by Labcorp Genetics (formerly Invitae), Labcorp); PubMed 21398687 (cited by Labcorp Genetics (formerly Invitae), Labcorp).